The following is an entry in ClinVar:

ClinVar aggregate classification (germline): Uncertain significance (1 of 4 stars; one submission).

Submission:

GeneDx
Classification: Uncertain significance. Last evaluated: 2025-06-11. Review status: criteria provided, single submitter. Criteria: GeneDx Variant Classification Process June 2021. Collection method: clinical testing. Allele origin: germline. Affected: yes.
Comment: Not observed at significant frequency in large population cohorts (gnomAD); In silico analysis supports that this missense variant has a deleterious effect on protein structure/function; Has not been previously published as pathogenic or benign to our knowledge

NM_005360.5(MAF):c.911C>T (p.Ser304Phe)

Gene: MAF (MAF bZIP transcription factor; minus strand). Cytogenetic location: 16q23.2.
Variant type: single nucleotide variant.
Coding change: c.911C>T on transcript NM_005360.5 (MANE Select); coding-DNA position 911, C replaced by T.
Protein change: p.Ser304Phe; replaces serine 304 with phenylalanine.
Molecular consequence: missense variant.
Genome position (GRCh38, 1-based): chr16:79,598,992, G>A on the plus strand (C>T on the coding strand, the complement: MAF is on the minus strand). VCF-style: chr16-79598992-G-A. GRCh37 (hg19) VCF-style: chr16-79632889-G-A.
Other names: c.911C>T, p.Ser304Phe (NM_001031804.3); short protein forms S304F.
Identifiers: ClinVar variation 4537683 (VCV004537683.1).